The following is an entry in ClinVar:

ClinVar aggregate classification (germline): Uncertain significance. Review status: criteria provided, multiple submitters, no conflicts (2 of 4 stars). 2 submissions from 2 submitters: Uncertain significance (2). Last evaluated 2023-11-25.

Conditions:
KMT2D-related disorder. Also called: KMT2D-Related Disorders.
Kabuki syndrome. Also called: Kabuki make-up syndrome; NIIKAWA-KUROKI SYNDROME. Identifiers: Orphanet 2322, MedGen C0796004, MONDO:0016512.

Allele frequency attached by ClinVar (database versions not stated): gnomAD exomes below 0.00001; TOPMed below 0.00001.

Submissions (2):

Labcorp Genetics (formerly Invitae), Labcorp
Classification: Uncertain significance for Kabuki syndrome. Last evaluated: 2023-11-25. Review status: criteria provided, single submitter. Criteria: Invitae Variant Classification Sherloc (09022015). Collection method: clinical testing. Allele origin: germline.
Comment: This sequence change replaces proline, which is neutral and non-polar, with serine, which is neutral and polar, at codon 1034 of the KMT2D protein (p.Pro1034Ser). This variant is not present in population databases (gnomAD no frequency). This variant has not been reported in the literature in individuals affected with KMT2D-related conditions. Advanced modeling of protein sequence and biophysical properties (such as structural, functional, and spatial information, amino acid conservation, physicochemical variation, residue mobility, and thermodynamic stability) performed at Invitae indicates that this missense variant is not expected to disrupt KMT2D protein function with a negative predictive value of 95%. In summary, the available evidence is currently insufficient to determine the role of this variant in disease. Therefore, it has been classified as a Variant of Uncertain Significance.

PreventionGenetics, part of Exact Sciences
Classification: Uncertain significance for KMT2D-related condition. Last evaluated: 2023-02-07. Review status: criteria provided, single submitter. Criteria: ACMG Guidelines, 2015. Collection method: clinical testing. Allele origin: germline.
Comment: The KMT2D c.3100C>T variant is predicted to result in the amino acid substitution p.Pro1034Ser. To our knowledge, this variant has not been reported in the literature or in a large population database, indicating this variant is rare. At this time, the clinical significance of this variant is uncertain due to the absence of conclusive functional and genetic evidence.

NM_003482.4(KMT2D):c.3100C>T (p.Pro1034Ser)

Gene: KMT2D (lysine methyltransferase 2D; minus strand). Cytogenetic location: 12q13.12.
Variant type: single nucleotide variant.
Coding change: c.3100C>T on transcript NM_003482.4 (MANE Select); coding-DNA position 3100, C replaced by T.
Protein change: p.Pro1034Ser; replaces proline 1034 with serine.
Molecular consequence: missense variant.
Genome position (GRCh38, 1-based): chr12:49,050,488, G>A on the plus strand (C>T on the coding strand, the complement: KMT2D is on the minus strand). VCF-style: chr12-49050488-G-A. GRCh37 (hg19) VCF-style: chr12-49444271-G-A.
Other names: short protein forms P1034S.
Identifiers: ClinVar variation 2630248 (VCV002630248.4), dbSNP rs1412570875, ClinGen allele CA384659393.